The following is an entry in ClinVar:

NM_182961.4(SYNE1):c.18381+216C>T

Gene: SYNE1 (spectrin repeat containing nuclear envelope protein 1; minus strand). Cytogenetic location: 6q25.2.
Variant type: single nucleotide variant.
Coding change: c.18381+216C>T on transcript NM_182961.4 (MANE Select); 216 bases into the intron after coding-DNA position 18381, C replaced by T.
Molecular consequence: intron variant.
Genome position (GRCh38, 1-based): chr6:152,281,591, G>A on the plus strand (C>T on the coding strand, the complement: SYNE1 is on the minus strand). VCF-style: chr6-152281591-G-A. GRCh37 (hg19) VCF-style: chr6-152602726-G-A.
Other names: c.18168+216C>T (NM_033071.5).
Identifiers: ClinVar variation 672754 (VCV000672754.1), dbSNP rs9322366, ClinGen allele CA150182334.

ClinVar aggregate classification (germline): Benign (1 of 4 stars; one submission).

Allele frequency attached by ClinVar (database versions not stated): gnomAD 0.18481 and 0.18601; TOPMed 0.19428; 1000 Genomes Project 0.26378; 1000 Genomes Project 30x 0.26483.
gnomAD v4.1: 28,106 of 152,026 alleles (18%); highest among the groups gnomAD compares: East Asian, 46%; 3,193 homozygotes.

Submission:

GeneDx
Classification: Benign. Last evaluated: 2018-06-19. Review status: criteria provided, single submitter. Criteria: GeneDx Variant Classification (06012015). Collection method: clinical testing. Allele origin: germline. Affected: yes.
Comment: This variant is considered likely benign or benign based on one or more of the following criteria: it is a conservative change, it occurs at a poorly conserved position in the protein, it is predicted to be benign by multiple in silico algorithms, and/or has population frequency not consistent with disease.